The following is an entry in ClinVar:

NM_000352.6(ABCC8):c.1938G>A (p.Val646=)

Gene: ABCC8 (ATP binding cassette subfamily C member 8; minus strand). Cytogenetic location: 11p15.1.
Variant type: single nucleotide variant.
Coding change: c.1938G>A on transcript NM_000352.6 (MANE Select); coding-DNA position 1938, G replaced by A.
Protein change: p.Val646=; no amino-acid change (valine 646 retained).
Molecular consequence: synonymous variant. On other transcripts: non-coding transcript variant (1).
Genome position (GRCh38, 1-based): chr11:17,428,391, C>T on the plus strand (G>A on the coding strand, the complement: ABCC8 is on the minus strand). VCF-style: chr11-17428391-C-T. GRCh37 (hg19) VCF-style: chr11-17449938-C-T.
Other names: c.1938G>A, p.Val646= (NM_001287174.3); c.2004G>A, p.Val668= (NM_001351295.2); c.1935G>A, p.Val645= (NM_001351296.2, NM_001351297.2).
Identifiers: ClinVar variation 792439 (VCV000792439.11), dbSNP rs1591797830, ClinGen allele CA473516200.

ClinVar aggregate classification (germline): Conflicting classifications of pathogenicity. Review status: criteria provided, conflicting classifications (1 of 4 stars). 3 submissions from 2 submitters: Uncertain significance (2); Likely benign (1). Last evaluated 2023-11-06.

Conditions:
Transitory neonatal diabetes mellitus. Also called: Transient neonatal diabetes mellitus. Identifiers: MedGen C0342273, MONDO:0020525, HP:0008255.
Maturity-onset diabetes of the young (MODY). Also called: Maturity onset diabetes mellitus in young. Identifiers: Orphanet 552, MedGen C0342276, MONDO:0018911, HP:0004904.

Allele frequency attached by ClinVar (database versions not stated): gnomAD exomes below 0.00001.
gnomAD v4.1: 3 of 1,613,636 alleles (0.00019%); highest among the groups gnomAD compares: Non-Finnish European, 0.00025%; no homozygotes.

Submissions (3):

Labcorp Genetics (formerly Invitae), Labcorp
Classification: Likely benign. Last evaluated: 2023-11-06. Review status: criteria provided, single submitter. Criteria: Invitae Variant Classification Sherloc (09022015). Collection method: clinical testing. Allele origin: germline.

Clinical Genomics, Uppaluri K&H Personalized Medicine Clinic
Classification: Uncertain significance for Maturity-onset diabetes of the young. Review status: criteria provided, single submitter. Criteria: K & H Uppaluri Personalized Medicine Clinic Variant Classification & Assertion Criteria_Updated V.1. Collection method: research. Allele origin: unknown. Inheritance: Somatic mutation.
Comment: Mutations in ABCC8 gene are associated with both neonatal diabetes mellitus as well as MODY. Patients with this mutation may have a better response to sulfonylureas. However, no sufficient evidence is found to ascertain the role of this particular variant ( rs1591797830) in MODY yet.

Clinical Genomics, Uppaluri K&H Personalized Medicine Clinic
Classification: Uncertain significance for Transitory neonatal diabetes mellitus. Review status: criteria provided, single submitter. Criteria: K & H Uppaluri Personalized Medicine Clinic Variant Classification & Assertion Criteria_Updated V.1. Collection method: research. Allele origin: unknown. Inheritance: Somatic mutation.
Comment: Mutations in ABCC8 gene are associated with both neonatal diabetes mellitus as well as MODY. Patients with this mutation may have a better response to sulfonylureas. However, no sufficient evidence is found to ascertain the role of this particular variant ( rs1591797830) in neonatal diabetes yet.

Literature cited by the submitters: PubMed 16885549 (cited by Clinical Genomics, Uppaluri K&H Personalized Medicine Clinic); PubMed 27538677 (cited by Clinical Genomics, Uppaluri K&H Personalized Medicine Clinic); PubMed 21989597 (cited by Clinical Genomics, Uppaluri K&H Personalized Medicine Clinic); PubMed 18981553 (cited by Clinical Genomics, Uppaluri K&H Personalized Medicine Clinic); PubMed 16613899 (cited by Clinical Genomics, Uppaluri K&H Personalized Medicine Clinic); PubMed 32027066 (cited by Clinical Genomics, Uppaluri K&H Personalized Medicine Clinic); PubMed 18025408 (cited by Clinical Genomics, Uppaluri K&H Personalized Medicine Clinic); PubMed 32792356 (cited by Clinical Genomics, Uppaluri K&H Personalized Medicine Clinic).